The following is an entry in ClinVar:

ClinVar aggregate classification (germline): Pathogenic (1 of 4 stars; one submission).

Submission:

Labcorp Genetics (formerly Invitae), Labcorp
Classification: Pathogenic. Last evaluated: 2022-04-01. Review status: criteria provided, single submitter. Criteria: Invitae Variant Classification Sherloc (09022015). Collection method: clinical testing. Allele origin: germline.
Comment: This sequence change creates a premature translational stop signal (p.Tyr225Cysfs*7) in the SLC46A1 gene. It is expected to result in an absent or disrupted protein product. Loss-of-function variants in SLC46A1 are known to be pathogenic (PMID: 17446347, 21333572). This variant is not present in population databases (gnomAD no frequency). This variant has not been reported in the literature in individuals affected with SLC46A1-related conditions. For these reasons, this variant has been classified as Pathogenic.

Literature cited by the submitters: PubMed 17446347; PubMed 21333572.

NM_080669.6(SLC46A1):c.672_673del (p.Tyr225fs)

Gene: SLC46A1 (solute carrier family 46 member 1; minus strand). Cytogenetic location: 17q11.2.
Variant type: Microsatellite.
Coding change: c.672_673del on transcript NM_080669.6 (MANE Select); coding-DNA positions 672 to 673, 2 bases deleted (CT; older notation c.672_673delCT).
Protein change: p.Tyr225fs; shifts the reading frame from tyrosine 225.
Molecular consequence: frameshift variant.
Genome position (GRCh38, 1-based): chr17:28,405,024-28,405,025, AG deleted on the plus strand (CT on the coding strand, the reverse complement: SLC46A1 is on the minus strand); deleting any 2 consecutive bases within chr17:28,405,024-28,405,029 gives the same sequence; the c. name uses the placement nearest the transcript's 3' end. VCF-style (leftmost placement, unchanged base first): chr17-28405023-TAG-T. GRCh37 (hg19) VCF-style: chr17-26732041-TAG-T.
Other names: c.672_673del, p.Tyr225fs (NM_001242366.3); short protein forms Y225fs.
Identifiers: ClinVar variation 2120585 (VCV002120585.4), dbSNP rs1263347824, ClinGen allele CA727743325.
Genomic context (GRCh38, chr17:28,405,023, plus strand): 5'-AACGTGAAGAGCCGGGTGGACTTTGGCTCCTTTAAGGTCTCACCAAAGCAGAAAGCTGCA[TAG>T]AGAGTCATGGCTATCAGCAAGGCCAAGGCCAGCCAGAAGGGGTTGGCATAACCCTGGGCC-3'